The following is an entry in ClinVar:

NM_015512.5(DNAH1):c.1688G>A (p.Ser563Asn)

Gene: DNAH1 (dynein axonemal heavy chain 1; plus strand). Cytogenetic location: 3p21.1.
Variant type: single nucleotide variant.
Coding change: c.1688G>A on transcript NM_015512.5 (MANE Select); coding-DNA position 1688, G replaced by A.
Protein change: p.Ser563Asn; replaces serine 563 with asparagine.
Molecular consequence: missense variant.
Genome position (GRCh38, 1-based): chr3:52,346,503, G>A. VCF-style: chr3-52346503-G-A. GRCh37 (hg19) VCF-style: chr3-52380519-G-A.
Other names: short protein forms S563N.
Identifiers: ClinVar variation 766922 (VCV000766922.14), dbSNP rs137937801, ClinGen allele CA2433031.

ClinVar aggregate classification (germline): Benign/Likely benign. Review status: criteria provided, multiple submitters, no conflicts (2 of 4 stars). 4 submissions from 4 submitters: Benign (1); Likely benign (2). 1 of the submissions does not count toward it. Last evaluated 2026-01-05.

Conditions:
DNAH1-related disorder. Also called: DNAH1-related condition.
Spermatogenic failure 18. Identifiers: MedGen C4539783, MONDO:0054615, OMIM 617576.
Ciliary dyskinesia, primary, 37 (CILD37). Also called: CILIARY DYSKINESIA, PRIMARY, 37, WITH OR WITHOUT SITUS INVERSUS. Identifiers: MedGen C4539798, MONDO:0033204, OMIM 617577.

Allele frequency attached by ClinVar (database versions not stated): gnomAD exomes 0.00015 and 0.00037; 1000 Genomes Project 0.00140; ESP Exome Variant Server 0.00142; ExAC 0.00049; gnomAD 0.00131 and 0.00137; TOPMed 0.00177; 1000 Genomes Project 30x 0.00203.
gnomAD v4.1: 435 of 1,612,766 alleles (0.027%); highest among the groups gnomAD compares: African/African-American, 0.49%; no homozygotes.

Submissions (4):

Labcorp Genetics (formerly Invitae), Labcorp
Classification: Likely benign for Ciliary dyskinesia, primary, 37; Spermatogenic failure 18. Last evaluated: 2026-01-05. Review status: criteria provided, single submitter. Criteria: Invitae Variant Classification Sherloc (09022015). Collection method: clinical testing. Allele origin: germline.

Blueprint Genetics
Classification: Benign. Last evaluated: 2024-08-06. Review status: criteria provided, single submitter. Criteria: ACMG Guidelines, 2015. Collection method: clinical testing. Allele origin: germline.

Breakthrough Genomics
Classification: Likely benign. Review status: criteria provided, single submitter. Criteria: ACMG Guidelines, 2015. Collection method: not provided. Allele origin: germline. Inheritance: Autosomal recessive inheritance. Affected: yes.

PreventionGenetics, part of Exact Sciences
Classification: Likely benign for DNAH1-related condition. Last evaluated: 2022-01-28. Review status: no assertion criteria provided. Collection method: clinical testing. Allele origin: germline. Not counted in ClinVar's aggregate classification.
Comment: This variant is classified as likely benign based on ACMG/AMP sequence variant interpretation guidelines (Richards et al. 2015 PMID: 25741868, with internal and published modifications).